The following is an entry in ClinVar:

ClinVar aggregate classification (germline): Uncertain significance (1 of 4 stars; one submission).

Allele frequency attached by ClinVar (database versions not stated): TOPMed below 0.00001.

Submission:

Labcorp Genetics (formerly Invitae), Labcorp
Classification: Uncertain significance. Last evaluated: 2022-07-03. Review status: criteria provided, single submitter. Criteria: Invitae Variant Classification Sherloc (09022015). Collection method: clinical testing. Allele origin: germline.
Comment: This variant is not present in population databases (gnomAD no frequency). This sequence change replaces proline, which is neutral and non-polar, with leucine, which is neutral and non-polar, at codon 5 of the SCP2 protein (p.Pro5Leu). This variant has not been reported in the literature in individuals affected with SCP2-related conditions. In summary, the available evidence is currently insufficient to determine the role of this variant in disease. Therefore, it has been classified as a Variant of Uncertain Significance. Algorithms developed to predict the effect of missense changes on protein structure and function output the following: SIFT: "Tolerated"; PolyPhen-2: "Benign"; Align-GVGD: "Class C0". The leucine amino acid residue is found in multiple mammalian species, which suggests that this missense change does not adversely affect protein function.

NM_002979.5(SCP2):c.14C>T (p.Pro5Leu)

Gene: SCP2 (sterol carrier protein 2; plus strand). Cytogenetic location: 1p32.3.
Variant type: single nucleotide variant.
Coding change: c.14C>T on transcript NM_002979.5 (MANE Select); coding-DNA position 14, C replaced by T.
Protein change: p.Pro5Leu; replaces proline 5 with leucine.
Molecular consequence: missense variant. On other transcripts: 5 prime UTR variant (1).
Genome position (GRCh38, 1-based): chr1:52,927,410, C>T. VCF-style: chr1-52927410-C-T. GRCh37 (hg19) VCF-style: chr1-53393082-C-T.
Other names: c.14C>T, p.Pro5Leu (NM_001007098.3, NM_001193599.2, NM_001193600.2 and 1 more transcripts); c.-172C>T (NM_001193617.2); short protein forms P5L.
Identifiers: ClinVar variation 2000819 (VCV002000819.4), dbSNP rs1652528472, ClinGen allele CA340384432.